The following is an entry in ClinVar:

NM_153676.4(USH1C):c.1678G>C (p.Ala560Pro)

Gene: USH1C (USH1 protein network component harmonin; minus strand). Cytogenetic location: 11p15.1.
Variant type: single nucleotide variant.
Coding change: c.1678G>C on transcript NM_153676.4 (MANE Select); coding-DNA position 1678, G replaced by C.
Protein change: p.Ala560Pro; replaces alanine 560 with proline.
Molecular consequence: missense variant. On other transcripts: intron variant (2).
Genome position (GRCh38, 1-based): chr11:17,509,691, C>G on the plus strand (G>C on the coding strand, the complement: USH1C is on the minus strand). VCF-style: chr11-17509691-C-G. GRCh37 (hg19) VCF-style: chr11-17531238-C-G.
Other names: c.1227+7710G>C (NM_001297764.2); c.1284+7710G>C (NM_005709.4); short protein forms A560P.
Identifiers: ClinVar variation 166381 (VCV000166381.9), dbSNP rs367952604, ClinGen allele CA179476.
Genomic context (GRCh38, chr11:17,509,691, plus strand): 5'-GGGGCGCCGGGACCTTGTGGGGTGGGTTGGAGGGTGGAGGGTGGGGCATCACAGGCAAGG[C>G]AGAGGGAGTCTTGGGGGGATAGTAGAACATGTCCAAAGGGATGTCGTCCAGGTCAGTGGT-3'
Protein context (NP_710142.1, residues 550-570): MFYYPPKTPS[Ala560Pro]LPVMPHPPPS

ClinVar aggregate classification (germline): Conflicting classifications of pathogenicity. Review status: criteria provided, conflicting classifications (1 of 4 stars). 3 submissions from 3 submitters: Uncertain significance (2); Likely benign (1). Last evaluated 2026-03-09.

Conditions:
USH1C-related disorder. Also called: USH1C-related condition.

Allele frequency attached by ClinVar (database versions not stated): gnomAD exomes 0.00001 and 0.00004; ExAC 0.00007; gnomAD 0.00009 and 0.00010; TOPMed 0.00016; ESP Exome Variant Server 0.00023.
gnomAD v4.1: 31 of 1,598,264 alleles (0.0019%); highest among the groups gnomAD compares: African/African-American, 0.035%; no homozygotes.

Submissions (3):

PreventionGenetics, part of Exact Sciences
Classification: Uncertain significance for USH1C-related condition. Last evaluated: 2026-03-09. Review status: criteria provided, single submitter. Criteria: ACMG Guidelines, 2015. Collection method: clinical testing. Allele origin: germline.
Comment: The USH1C c.1678G>C variant is predicted to result in the amino acid substitution p.Ala560Pro. To our knowledge, this variant has not been reported in the literature. This variant is reported in 0.050% of alleles in individuals of African descent in gnomAD. Although we suspect that this variant may be benign, at this time, the clinical significance of this variant is uncertain due to the absence of conclusive functional and genetic evidence.

Labcorp Genetics (formerly Invitae), Labcorp
Classification: Likely benign. Last evaluated: 2018-05-08. Review status: criteria provided, single submitter. Criteria: Invitae Variant Classification Sherloc (09022015). Collection method: clinical testing. Allele origin: germline.

Laboratory for Molecular Medicine, Mass General Brigham Personalized Medicine
Classification: Uncertain significance. Last evaluated: 2014-04-12. Review status: criteria provided, single submitter. Criteria: LMM Criteria. Collection method: clinical testing. Allele origin: germline. Observed: 1 variant allele.
Comment: Variant classified as Uncertain Significance - Favor Benign. The Ala560Pro varia nt in USH1C has not been previously reported in individuals with hearing loss, b ut has been identified in 3/4398 African American chromosomes by the NHLBI Exome Sequencing Project. The alanine (Ala) residue a t position 560 is not well conserved across species, with proline (Pro) present in several evolutionarily distant species at that position. In addition, computa tional prediction tools suggest this variant may not impact the protein, though this information is not predictive enough to rule out pathogenicity. In summary, the clinical significance of this variant cannot be determined with certainty; however based upon the conservation and computational data, we would lean toward s a more likely benign role.